The following is an entry in ClinVar:

NM_001384474.1(LOXHD1):c.5527A>T (p.Lys1843Ter)

Gene: LOXHD1 (lipoxygenase homology PLAT domains 1; minus strand). Cytogenetic location: 18q21.1.
Variant type: single nucleotide variant.
Coding change: c.5527A>T on transcript NM_001384474.1 (MANE Select); coding-DNA position 5527, A replaced by T.
Protein change: p.Lys1843Ter; replaces lysine 1843 with a stop codon.
Molecular consequence: nonsense.
Genome position (GRCh38, 1-based): chr18:46,507,703, T>A on the plus strand (A>T on the coding strand, the complement: LOXHD1 is on the minus strand). VCF-style: chr18-46507703-T-A. GRCh37 (hg19) VCF-style: chr18-44087666-T-A.
Other names: c.2194A>T, p.Lys732Ter (NM_001145472.3); c.244A>T, p.Lys82Ter (NM_001145473.3, NM_001173129.2); c.1906A>T, p.Lys636Ter (NM_001308013.2); c.5341A>T, p.Lys1781Ter (NM_144612.7); short protein forms K1781*, K1843*, K636*, K732*, K82*.
Identifiers: ClinVar variation 1724198 (VCV001724198.2), dbSNP rs2511496811, ClinGen allele CA402368299.

ClinVar aggregate classification (germline): Likely pathogenic (1 of 4 stars; one submission).

Conditions:
Autosomal recessive nonsyndromic hearing loss 77. Identifiers: Orphanet 90636, MedGen C2746083, MONDO:0013119, OMIM 613079.

Submission:

Myriad Genetics, Inc.
Classification: Likely pathogenic for Autosomal recessive nonsyndromic hearing loss 77. Last evaluated: 2022-02-01. Review status: criteria provided, single submitter. Criteria: Myriad Women's Health Autosomal Recessive and X-Linked Classification Criteria (2021). Collection method: clinical testing. Allele origin: unknown.
Comment: NM_144612.6(LOXHD1):c.5341A>T(K1781*) is expected to be pathogenic in the context of LOXHD1-related DFNB77 hearing loss and deafness. This variant is predicted to lead to an abnormal or absent protein product due to the creation of a premature termination codon in LOXHD1, a gene where loss-of-function variants are known to be pathogenic. Please note: this variant was assessed in the context of healthy population screening.